The following is an entry in ClinVar:

ClinVar aggregate classification (germline): Benign. Review status: criteria provided, single submitter (1 of 4 stars). 2 submissions from 2 submitters: Benign (1). 1 of the submissions does not count toward it. Last evaluated 2020-10-28.

Conditions:
Estrogen resistance syndrome. Also called: ESTROGEN INSENSITIVITY; Estrogen resistance. Identifiers: Orphanet 785, MedGen C3809250, MONDO:0014148, OMIM 615363.

Allele frequency attached by ClinVar (database versions not stated): gnomAD 0.40711 and 0.41191; 1000 Genomes Project 0.41214; 1000 Genomes Project 30x 0.41615; TOPMed 0.42372.

Submissions (2):

H3Africa Consortium
Classification: Benign. Last evaluated: 2020-10-28. Review status: criteria provided, single submitter. Criteria: Choudhury A et al. (Nature 2020). Collection method: research. Allele origin: germline. Study: H3Africa.
Comment: While the frequency of the alternate allele in gnoMAD v2.0.2 is 0.729, its frequency in African populations is >5%. This suggests that previous classifications of this variant as pathogenic are in error.

Department of Breast and Endocrine Surgery, Kumamoto University
Classification: Likely pathogenic for Estrogen resistance. Last evaluated: 2014-03-01. Review status: no assertion criteria provided. Collection method: research. Allele origin: somatic. Affected: yes. Not counted in ClinVar's aggregate classification.

NC_000006.12:g.151627231G>A

Gene: CCDC170 (coiled-coil domain containing 170; plus strand). Cytogenetic location: 6q25.1.
Variant type: single nucleotide variant.
Genome position: GRCh38 VCF-style: chr6-151627231-G-A. GRCh37 (hg19) VCF-style: chr6-151948366-G-A.
Identifiers: ClinVar variation 155877 (VCV000155877.4), dbSNP rs2046210, ClinGen allele CA170719.